The following is an entry in ClinVar:

NM_001371928.1(AHDC1):c.2182C>T (p.Arg728Trp)

Gene: AHDC1 (AT-hook DNA binding motif containing 1; minus strand). Cytogenetic location: 1p36.11.
Variant type: single nucleotide variant.
Coding change: c.2182C>T on transcript NM_001371928.1 (MANE Select); coding-DNA position 2182, C replaced by T.
Protein change: p.Arg728Trp; replaces arginine 728 with tryptophan.
Molecular consequence: missense variant.
Genome position (GRCh38, 1-based): chr1:27,549,934, G>A on the plus strand (C>T on the coding strand, the complement: AHDC1 is on the minus strand). VCF-style: chr1-27549934-G-A. GRCh37 (hg19) VCF-style: chr1-27876445-G-A.
Other names: c.2182C>T, p.Arg728Trp (NM_001029882.3); short protein forms R728W.
Identifiers: ClinVar variation 623680 (VCV000623680.49), dbSNP rs201595662, ClinGen allele CA715816.

ClinVar aggregate classification (germline): Conflicting classifications of pathogenicity. Review status: criteria provided, conflicting classifications (1 of 4 stars). 3 submissions from 3 submitters: Uncertain significance (1); Benign (1); Likely benign (1). Last evaluated 2024-07-18.

Allele frequency attached by ClinVar (database versions not stated): gnomAD exomes 0.00003 and 0.00004; ExAC 0.00004; gnomAD 0.00004 and 0.00005; TOPMed 0.00006; ESP Exome Variant Server 0.00008; 1000 Genomes Project 30x 0.00016; 1000 Genomes Project 0.00020.
gnomAD v4.1: 67 of 1,612,988 alleles (0.0042%); highest among the groups gnomAD compares: Admixed American, 0.0083%; no homozygotes.

Submissions (3):

Labcorp Genetics (formerly Invitae), Labcorp
Classification: Likely benign. Last evaluated: 2024-07-18. Review status: criteria provided, single submitter. Criteria: Invitae Variant Classification Sherloc (09022015). Collection method: clinical testing. Allele origin: germline.

GeneDx
Classification: Benign. Last evaluated: 2020-09-17. Review status: criteria provided, single submitter. Criteria: GeneDx Variant Classification Process June 2021. Collection method: clinical testing. Allele origin: germline. Affected: yes.
Comment: In silico analysis supports that this missense variant has a deleterious effect on protein structure/function; Has not been previously published as pathogenic or benign to our knowledge

CeGaT Center for Human Genetics Tuebingen
Classification: Uncertain significance. Last evaluated: 2018-05-01. Review status: criteria provided, single submitter. Criteria: CeGaT Center For Human Genetics Tuebingen Variant Classification Criteria Version 2. Collection method: clinical testing. Allele origin: germline. Affected: yes. Observed: 2 variant alleles.